The following is an entry in ClinVar:

ClinVar aggregate classification (germline): Benign/Likely benign. Review status: criteria provided, multiple submitters, no conflicts (2 of 4 stars). 3 submissions from 3 submitters: Benign (1); Likely benign (1). 1 of the submissions does not count toward it. Last evaluated 2024-05-26.

Conditions:
KBG syndrome (KBGS). Also called: ANKRD11-Related KBG Syndrome. Identifiers: Orphanet 2332, MedGen C0220687, MONDO:0007846, OMIM 148050.
ANKRD11-related disorder. Also called: ANKRD11-related condition.

Allele frequency attached by ClinVar (database versions not stated): TOPMed 0.00001; gnomAD 0.00009; ExAC 0.00026.
gnomAD v4.1: 185 of 1,613,962 alleles (0.011%); highest among the groups gnomAD compares: South Asian, 0.19%; 1 homozygote.

Submissions (3):

Labcorp Genetics (formerly Invitae), Labcorp
Classification: Benign for KBG syndrome. Last evaluated: 2024-05-26. Review status: criteria provided, single submitter. Criteria: Invitae Variant Classification Sherloc (09022015). Collection method: clinical testing. Allele origin: germline.

Blueprint Genetics
Classification: Likely benign. Last evaluated: 2022-10-24. Review status: criteria provided, single submitter. Criteria: ACMG Guidelines, 2015. Collection method: clinical testing. Allele origin: germline.

PreventionGenetics, part of Exact Sciences
Classification: Likely benign for ANKRD11-related condition. Last evaluated: 2023-07-10. Review status: no assertion criteria provided. Collection method: clinical testing. Allele origin: germline. Not counted in ClinVar's aggregate classification.
Comment: This variant is classified as likely benign based on ACMG/AMP sequence variant interpretation guidelines (Richards et al. 2015 PMID: 25741868, with internal and published modifications).

NM_013275.6(ANKRD11):c.1674T>C (p.Ala558=)

Gene: ANKRD11 (ankyrin repeat domain 11; minus strand). Cytogenetic location: 16q24.3.
Variant type: single nucleotide variant.
Coding change: c.1674T>C on transcript NM_013275.6 (MANE Select); coding-DNA position 1674, T replaced by C.
Protein change: p.Ala558=; no amino-acid change (alanine 558 retained).
Molecular consequence: synonymous variant.
Genome position (GRCh38, 1-based): chr16:89,284,868, A>G on the plus strand (T>C on the coding strand, the complement: ANKRD11 is on the minus strand). VCF-style: chr16-89284868-A-G. GRCh37 (hg19) VCF-style: chr16-89351276-A-G.
Other names: c.1674T>C (NM_013275.5); c.1674T>C, p.Ala558= (NM_001256182.2, NM_001256183.2).
Identifiers: ClinVar variation 2075852 (VCV002075852.6), dbSNP rs763352614, ClinGen allele CA8242720.